The following is an entry in ClinVar:

ClinVar aggregate classification (germline): Pathogenic (1 of 4 stars; one submission).

Conditions:
Primary ciliary dyskinesia 30. Also called: CILIARY DYSKINESIA, PRIMARY, 30, WITH OR WITHOUT SITUS INVERSUS. Identifiers: Orphanet 244, MedGen C4015016, MONDO:0014465, OMIM 616037.

Submission:

Labcorp Genetics (formerly Invitae), Labcorp
Classification: Pathogenic for Primary ciliary dyskinesia 30. Last evaluated: 2025-03-10. Review status: criteria provided, single submitter. Criteria: Invitae Variant Classification Sherloc (09022015). Collection method: clinical testing. Allele origin: germline.
Comment: This sequence change creates a premature translational stop signal (p.Trp137*) in the CCDC151 gene. It is expected to result in an absent or disrupted protein product. Loss-of-function variants in CCDC151 are known to be pathogenic (PMID: 25192045). This variant is not present in population databases (gnomAD no frequency). This variant has not been reported in the literature in individuals affected with CCDC151-related conditions. For these reasons, this variant has been classified as Pathogenic.

Literature cited by the submitters: PubMed 25192045.

NM_145045.5(ODAD3):c.411G>A (p.Trp137Ter)

Gene: ODAD3 (outer dynein arm docking complex subunit 3; minus strand). Cytogenetic location: 19p13.2.
Variant type: single nucleotide variant.
Coding change: c.411G>A on transcript NM_145045.5 (MANE Select); coding-DNA position 411, G replaced by A.
Protein change: p.Trp137Ter; replaces tryptophan 137 with a stop codon.
Molecular consequence: nonsense. On other transcripts: intron variant (1).
Genome position (GRCh38, 1-based): chr19:11,430,732, C>T on the plus strand (G>A on the coding strand, the complement: ODAD3 is on the minus strand). VCF-style: chr19-11430732-C-T. GRCh37 (hg19) VCF-style: chr19-11541552-C-T.
Other names: c.249G>A, p.Trp83Ter (NM_001302453.1); c.366+167G>A (NM_001302454.2); short protein forms W137*, W83*.
Identifiers: ClinVar variation 4710580 (VCV004710580.1).